The following is an entry in ClinVar:

ClinVar aggregate classification (germline): Uncertain significance. Review status: criteria provided, multiple submitters, no conflicts (2 of 4 stars). 2 submissions from 2 submitters: Uncertain significance (2). Last evaluated 2023-02-02.

Conditions:
Hereditary cancer-predisposing syndrome. Also called: Neoplastic Syndromes, Hereditary; Hereditary Cancer Syndrome; Tumor predisposition; Hereditary neoplastic syndrome. Identifiers: Orphanet 140162, MedGen C0027672, MeSH D009386, MONDO:0015356.
Parathyroid carcinoma (PRTC). Also called: CDC73-Related Parathyroid Carcinoma; Parathyroid gland carcinoma. Identifiers: Orphanet 143, MedGen C0687150, MONDO:0012004, OMIM 608266, HP:0006780.

Allele frequency attached by ClinVar (database versions not stated): gnomAD exomes 0.00001.
gnomAD v4.1: 5 of 1,596,670 alleles (0.00031%); highest among the groups gnomAD compares: Non-Finnish European, 0.00043%; no homozygotes.

Submissions (2):

Ambry Genetics
Classification: Uncertain significance for Hereditary cancer-predisposing syndrome. Last evaluated: 2023-02-02. Review status: criteria provided, single submitter. Criteria: Ambry Variant Classification Scheme 2023. Collection method: clinical testing. Allele origin: germline.
Comment: The p.T359A variant (also known as c.1075A>G), located in coding exon 13 of the CDC73 gene, results from an A to G substitution at nucleotide position 1075. The threonine at codon 359 is replaced by alanine, an amino acid with similar properties. This amino acid position is highly conserved in available vertebrate species. In addition, the in silico prediction for this alteration is inconclusive. Since supporting evidence is limited at this time, the clinical significance of this alteration remains unclear.

Labcorp Genetics (formerly Invitae), Labcorp
Classification: Uncertain significance for Parathyroid carcinoma. Last evaluated: 2019-09-26. Review status: criteria provided, single submitter. Criteria: Invitae Variant Classification Sherloc (09022015). Collection method: clinical testing. Allele origin: germline.
Comment: This sequence change replaces threonine with alanine at codon 359 of the CDC73 protein (p.Thr359Ala). The threonine residue is moderately conserved and there is a small physicochemical difference between threonine and alanine. This variant is not present in population databases (ExAC no frequency) and has not been reported in the literature in individuals with a CDC73-related disease. Algorithms developed to predict the effect of missense changes on protein structure and function do not agree on the potential impact of this missense change (SIFT: "Tolerated"; PolyPhen-2: "Possibly Damaging"; Align-GVGD: "Class C0"). In summary, this variant is a novel missense change with uncertain impact on protein function. It has been classified as a Variant of Uncertain Significance.

NM_024529.5(CDC73):c.1075A>G (p.Thr359Ala)

Gene: CDC73 (cell division cycle 73; plus strand). Cytogenetic location: 1q31.2.
Variant type: single nucleotide variant.
Coding change: c.1075A>G on transcript NM_024529.5 (MANE Select); coding-DNA position 1075, A replaced by G.
Protein change: p.Thr359Ala; replaces threonine 359 with alanine.
Molecular consequence: missense variant.
Genome position (GRCh38, 1-based): chr1:193,212,398, A>G. VCF-style: chr1-193212398-A-G. GRCh37 (hg19) VCF-style: chr1-193181528-A-G.
Other names: short protein forms T359A.
Identifiers: ClinVar variation 403880 (VCV000403880.13), dbSNP rs1060500010, ClinGen allele CA16609978.